The following is an entry in ClinVar:

ClinVar aggregate classification (germline): Uncertain significance (1 of 4 stars; one submission).

Conditions:
Hypertrophic cardiomyopathy. Also called: HYPERTROPHIC MYOCARDIOPATHY. Identifiers: Orphanet 217569, MedGen C0007194, MeSH D002312, MONDO:0005045, HP:0001639.

Submission:

Labcorp Genetics (formerly Invitae), Labcorp
Classification: Uncertain significance for Hypertrophic cardiomyopathy. Last evaluated: 2022-10-26. Review status: criteria provided, single submitter. Criteria: Invitae Variant Classification Sherloc (09022015). Collection method: clinical testing. Allele origin: germline.
Comment: In summary, the available evidence is currently insufficient to determine the role of this variant in disease. Therefore, it has been classified as a Variant of Uncertain Significance. Variants that disrupt the consensus splice site are a relatively common cause of aberrant splicing (PMID: 17576681, 9536098). Algorithms developed to predict the effect of sequence changes on RNA splicing suggest that this variant may disrupt the consensus splice site. This variant has not been reported in the literature in individuals affected with MYBPC3-related conditions. This variant is not present in population databases (gnomAD no frequency). This sequence change falls in intron 7 of the MYBPC3 gene. It does not directly change the encoded amino acid sequence of the MYBPC3 protein. It affects a nucleotide within the consensus splice site.

Literature cited by the submitters: PubMed 17576681; PubMed 9536098.

NM_000256.3(MYBPC3):c.821+4_821+5del

Gene: MYBPC3 (myosin binding protein C3; minus strand). Cytogenetic location: 11p11.2.
Variant type: Deletion.
Coding change: c.821+4_821+5del on transcript NM_000256.3 (MANE Select); bases 4 to 5 of the intron after coding-DNA position 821, 2 bases deleted (AG; older notation c.821+4_821+5delAG).
Molecular consequence: intron variant.
Genome position (GRCh38, 1-based): chr11:47,347,852-47,347,853, CT deleted on the plus strand (AG on the coding strand, the reverse complement: MYBPC3 is on the minus strand); deleting any 2 consecutive bases within chr11:47,347,852-47,347,854 gives the same sequence; the c. name uses the placement nearest the transcript's 3' end. VCF-style (leftmost placement, unchanged base first): chr11-47347851-ACT-A. GRCh37 (hg19) VCF-style: chr11-47369402-ACT-A.
Identifiers: ClinVar variation 2036878 (VCV002036878.4), dbSNP rs2495775245, ClinGen allele CA2580084207.